The following is an entry in ClinVar:

ClinVar aggregate classification (germline): Pathogenic/Likely pathogenic. Review status: criteria provided, multiple submitters, no conflicts (2 of 4 stars). 3 submissions from 3 submitters: Pathogenic (1); Likely pathogenic (1). 1 of the submissions does not count toward it. Last evaluated 2024-01-11.

Conditions:
Combined deficiency of sialidase AND beta galactosidase (GSL). Also called: NEURAMINIDASE DEFICIENCY WITH BETA-GALACTOSIDASE DEFICIENCY; NEURAMINIDASE/BETA-GALACTOSIDASE EXPRESSION; CATHEPSIN A DEFICIENCY; PPCA DEFICIENCY; PROTECTIVE PROTEIN/CATHEPSIN A DEFICIENCY; GOLDBERG SYNDROME. Identifiers: Orphanet 351, MedGen C0268233, MONDO:0009737, OMIM 256540.

Allele frequency attached by ClinVar (database versions not stated): gnomAD exomes below 0.00001; gnomAD 0.00001; TOPMed 0.00002.

Submissions (3):

Labcorp Genetics (formerly Invitae), Labcorp
Classification: Likely pathogenic for Combined deficiency of sialidase AND beta galactosidase. Last evaluated: 2024-01-11. Review status: criteria provided, single submitter. Criteria: Invitae Variant Classification Sherloc (09022015). Collection method: clinical testing. Allele origin: germline.
Comment: This sequence change replaces glutamine, which is neutral and polar, with arginine, which is basic and polar, at codon 67 of the CTSA protein (p.Gln67Arg). This variant is not present in population databases (gnomAD no frequency). This missense change has been observed in individual(s) with galactosialidosis (PMID: 8514852, 18396002, 26259553). This variant is also known as Q49R. ClinVar contains an entry for this variant (Variation ID: 377). Advanced modeling of protein sequence and biophysical properties (such as structural, functional, and spatial information, amino acid conservation, physicochemical variation, residue mobility, and thermodynamic stability) performed at Invitae indicates that this missense variant is expected to disrupt CTSA protein function with a positive predictive value of 80%. Experimental studies have shown that this missense change affects CTSA function (PMID: 8514852). Algorithms developed to predict the effect of sequence changes on RNA splicing suggest that this variant may create or strengthen a splice site. In summary, the currently available evidence indicates that the variant is pathogenic, but additional data are needed to prove that conclusively. Therefore, this variant has been classified as Likely Pathogenic.

Women's Health and Genetics/Laboratory Corporation of America, LabCorp
Classification: Pathogenic for Combined deficiency of sialidase AND beta galactosidase. Last evaluated: 2023-07-25. Review status: criteria provided, single submitter. Criteria: LabCorp Variant Classification Summary - May 2015. Collection method: clinical testing. Allele origin: germline.
Comment: Variant summary: CTSA c.146A>G (p.Gln49Arg) results in a conservative amino acid change in the encoded protein sequence. Three of five in-silico tools predict a damaging effect of the variant on protein function. The variant was absent in 249136 control chromosomes (gnomAD). c.146A>G has been reported in the literature in individuals affected with Galactosialidosis (Shimmoto_1993, Hossain_2016, Matsumoto_2008). These data indicate that the variant is likely to be associated with disease. At least one publication reports experimental evidence evaluating an impact on protein function, finding that cells with the variant protein lacked carboxypeptidase, alpha-neuraminidase, and beta-galactosidase activity (Shimmoto_1993). The following publications have been ascertained in the context of this evaluation (PMID: 8514852, 26259553, 18396002). No submitters have cited clinical-significance assessments for this variant to ClinVar after 2014. Based on the evidence outlined above, the variant was classified as pathogenic.

OMIM
Classification: Pathogenic for GALACTOSIALIDOSIS. Last evaluated: 1993-06-01. Review status: no assertion criteria provided. Collection method: literature only. Allele origin: germline. Not counted in ClinVar's aggregate classification.

Literature cited by the submitters: PubMed 8514852 (cited by 3 submitters); PubMed 18396002 (cited by Labcorp Genetics (formerly Invitae), Labcorp and Women's Health and Genetics/Laboratory Corporation of America, LabCorp); PubMed 26259553 (cited by Labcorp Genetics (formerly Invitae), Labcorp and Women's Health and Genetics/Laboratory Corporation of America, LabCorp).

NM_000308.4(CTSA):c.146A>G (p.Gln49Arg)

Gene: CTSA (cathepsin A; plus strand). Cytogenetic location: 20q13.12.
Variant type: single nucleotide variant.
Coding change: c.146A>G on transcript NM_000308.4 (MANE Select); coding-DNA position 146, A replaced by G.
Protein change: p.Gln49Arg; replaces glutamine 49 with arginine.
Molecular consequence: missense variant. On other transcripts: non-coding transcript variant (1).
Genome position (GRCh38, 1-based): chr20:45,891,714, A>G. VCF-style: chr20-45891714-A-G. GRCh37 (hg19) VCF-style: chr20-44520353-A-G.
Other names: c.146A>G, p.Gln49Arg (NM_001127695.3, NM_001167594.3); short protein forms Q49R.
Identifiers: ClinVar variation 377 (VCV000000377.7), dbSNP rs137854541, ClinGen allele CA114204.